The following is an entry in ClinVar:

ClinVar aggregate classification (germline): Conflicting classifications of pathogenicity. Review status: criteria provided, conflicting classifications (1 of 4 stars). 5 submissions from 5 submitters: Uncertain significance (3); Likely benign (1). 1 of the submissions does not count toward it. Last evaluated 2025-12-23.

Conditions:
Inborn genetic diseases. Identifiers: MedGen C0950123, MeSH D030342.
Neuromuscular disease caused by qualitative or quantitative defects of dysferlin. Also called: Dysferlinopathy; Qualitative or quantitative defects of dysferlin. Identifiers: Orphanet 207073, MedGen C2931687, MONDO:0016145.
Autosomal recessive limb-girdle muscular dystrophy type 2B (LGMDR2). Also called: MUSCULAR DYSTROPHY, LIMB-GIRDLE, AUTOSOMAL RECESSIVE 2; MUSCULAR DYSTROPHY, LIMB-GIRDLE, TYPE 3; Limb-girdle muscular dystrophy, type 2B; Limb-Girdle Muscular Dystrophy Type 2B (LGMD2B). Identifiers: Orphanet 268, MedGen C1850889, MONDO:0009676, OMIM 253601.

Allele frequency attached by ClinVar (database versions not stated): gnomAD exomes 0.00001 and 0.00002; ExAC 0.00002; gnomAD 0.00009; TOPMed 0.00009; ESP Exome Variant Server 0.00015.
gnomAD v4.1: 35 of 1,614,252 alleles (0.0022%); highest among the groups gnomAD compares: African/African-American, 0.028%; no homozygotes.

Submissions (5):

Labcorp Genetics (formerly Invitae), Labcorp
Classification: Likely benign for Neuromuscular disease caused by qualitative or quantitative defects of dysferlin. Last evaluated: 2025-12-23. Review status: criteria provided, single submitter. Criteria: Invitae Variant Classification Sherloc (09022015). Collection method: clinical testing. Allele origin: germline.

Revvity Omics, Revvity
Classification: Uncertain significance. Last evaluated: 2025-01-22. Review status: criteria provided, single submitter. Criteria: ACMG Guidelines, 2015. Collection method: clinical testing. Allele origin: germline.

Ambry Genetics
Classification: Uncertain significance for Inborn genetic diseases. Last evaluated: 2024-01-16. Review status: criteria provided, single submitter. Criteria: Ambry Variant Classification Scheme 2023. Collection method: clinical testing. Allele origin: germline.

GeneDx
Classification: Uncertain significance. Last evaluated: 2019-07-25. Review status: criteria provided, single submitter. Criteria: GeneDx Variant Classification Process June 2021. Collection method: clinical testing. Allele origin: germline. Affected: yes.
Comment: In silico analysis, which includes protein predictors and evolutionary conservation, supports that this variant does not alter protein structure/function; Has not been previously published as pathogenic or benign to our knowledge

Natera, Inc.
Classification: Uncertain significance for Limb-girdle muscular dystrophy type 2B. Last evaluated: 2019-10-28. Review status: no assertion criteria provided. Collection method: clinical testing. Allele origin: germline. Not counted in ClinVar's aggregate classification.

NM_001130987.2(DYSF):c.2509C>T (p.Arg837Trp)

Gene: DYSF (dysferlin; plus strand). Cytogenetic location: 2p13.2.
Variant type: single nucleotide variant.
Coding change: c.2509C>T on transcript NM_001130987.2 (MANE Select); coding-DNA position 2509, C replaced by T.
Protein change: p.Arg837Trp; replaces arginine 837 with tryptophan.
Molecular consequence: missense variant.
Genome position (GRCh38, 1-based): chr2:71,564,157, C>T. VCF-style: chr2-71564157-C-T. GRCh37 (hg19) VCF-style: chr2-71791287-C-T.
Other names: c.2458C>T, p.Arg820Trp (NM_001130455.2, NM_001130983.2); c.2413C>T, p.Arg805Trp (NM_001130976.2, NM_001130977.2); c.2455C>T, p.Arg819Trp (NM_001130978.2, NM_003494.4); c.2548C>T, p.Arg850Trp (NM_001130979.2); c.2506C>T, p.Arg836Trp (NM_001130980.2, NM_001130981.2); c.2551C>T, p.Arg851Trp (NM_001130982.2); c.2416C>T, p.Arg806Trp (NM_001130984.2, NM_001130986.2); c.2509C>T, p.Arg837Trp (NM_001130985.2); short protein forms R819W, R837W, R820W, R805W, R806W, R850W, R851W, R836W.
Identifiers: ClinVar variation 450192 (VCV000450192.11), dbSNP rs371841411, ClinGen allele CA1706191.
Genomic context (GRCh38, chr2:71,564,157, plus strand): 5'-CAGGGAGACAAGCGTGTGGCATACCAGCGGGTGCCCGCCCACCAAGTCCTCTTCTCCCGG[C>T]GGGGTGCCAACTACTGTGGCAAGAATTGTGGGAAGCTACAGACAATCTTTCTGAAAGTGA-3'
Protein context (NP_001124459.1, residues 827-847): VPAHQVLFSR[Arg837Trp]GANYCGKNCG